The following is an entry in ClinVar:

ClinVar aggregate classification (germline): Benign (1 of 4 stars; one submission).

Allele frequency attached by ClinVar (database versions not stated): gnomAD 0.00665; ESP Exome Variant Server 0.00692; 1000 Genomes Project 30x 0.00734; TOPMed 0.00758; 1000 Genomes Project 0.00799; ExAC 0.00825.
gnomAD v4.1: 11,678 of 1,613,990 alleles (0.72%); highest among the groups gnomAD compares: Middle Eastern, 4%; 103 homozygotes.

Submission:

CeGaT Center for Human Genetics Tuebingen
Classification: Benign. Last evaluated: 2022-08-01. Review status: criteria provided, single submitter. Criteria: CeGaT Center For Human Genetics Tuebingen Variant Classification Criteria Version 2. Collection method: clinical testing. Allele origin: germline. Affected: yes. Observed: 1 variant allele.
Comment: AHNAK2: BS1, BS2

NM_138420.4(AHNAK2):c.1654G>A (p.Asp552Asn)

Gene: AHNAK2 (AHNAK nucleoprotein 2; minus strand). Cytogenetic location: 14q32.33.
Variant type: single nucleotide variant.
Coding change: c.1654G>A on transcript NM_138420.4 (MANE Select); coding-DNA position 1654, G replaced by A.
Protein change: p.Asp552Asn; replaces aspartic acid 552 with asparagine.
Molecular consequence: missense variant.
Genome position (GRCh38, 1-based): chr14:104,953,797, C>T on the plus strand (G>A on the coding strand, the complement: AHNAK2 is on the minus strand). VCF-style: chr14-104953797-C-T. GRCh37 (hg19) VCF-style: chr14-105420134-C-T.
Other names: c.1354G>A, p.Asp452Asn (NM_001350929.2); short protein forms D452N, D552N.
Identifiers: ClinVar variation 2644889 (VCV002644889.24), dbSNP rs45448397, ClinGen allele CA7383763.